The following is an entry in ClinVar:

NM_000466.3(PEX1):c.3409_3410del (p.Glu1137fs)

Genes: GATAD1 (GATA zinc finger domain containing 1; plus strand), PEX1 (peroxisomal biogenesis factor 1; minus strand). Cytogenetic location: 7q21.2.
Variant type: Deletion.
Coding change: c.3409_3410del on transcript NM_000466.3 (MANE Select); coding-DNA positions 3409 to 3410, 2 bases deleted (GA; older notation c.3409_3410delGA).
Protein change: p.Glu1137fs; shifts the reading frame from glutamic acid 1137.
Molecular consequence: frameshift variant.
Genome position (GRCh38, 1-based): chr7:92,491,300-92,491,301, TC deleted on the plus strand (GA on the coding strand, the reverse complement: PEX1 is on the minus strand); deleting any 2 consecutive bases within chr7:92,491,300-92,491,302 gives the same sequence; the c. name uses the placement nearest the transcript's 3' end. VCF-style (leftmost placement, unchanged base first): chr7-92491299-TTC-T. GRCh37 (hg19) VCF-style: chr7-92120613-TTC-T.
Other names: c.3238_3239del, p.Glu1080fs (NM_001282677.2); c.2785_2786del, p.Glu929fs (NM_001282678.2); short protein forms E1080fs, E1137fs, E929fs.
Identifiers: ClinVar variation 5013160 (VCV005013160.1).
Genomic context (GRCh38, chr7:92,491,299, plus strand): 5'-TCAGAACTGTATAATGATGACTGCACAAGATACCAAATCAGAAGAGGTTCCATTTCCAAG[TTC>T]TGATTCATAAGAGCTTCCAAAGTAGAGCCGGTACATATTGAATTTTGATTCATCTGGAAG-3'

ClinVar aggregate classification (germline): Pathogenic (1 of 4 stars; one submission).

Conditions:
Peroxisome biogenesis disorder. Identifiers: Orphanet 79189, MedGen C1832200, MONDO:0019234. Disease mechanism: loss of function.

Submission:

Myriad Genetics, Inc.
Classification: Pathogenic for Peroxisome biogenesis disorder. Last evaluated: 2024-06-09. Review status: criteria provided, single submitter. Criteria: Myriad Autosomal Dominant, Autosomal Recessive and X-Linked Classification Criteria (2023). Collection method: clinical testing. Allele origin: unknown.
Comment: NM_000466.2(PEX1):c.3409_3410delGA(E1137Tfs*8) is expected to be pathogenic in the context of peroxisome biogenesis disorder type 1. This variant is predicted to lead to an abnormal or absent protein product due to the creation of a premature termination codon in PEX1, a gene where loss-of-function variants are known to be pathogenic. Please note: this variant was assessed in the context of healthy population screening.